The following is an entry in ClinVar:

ClinVar aggregate classification (germline): Benign/Likely benign. Review status: criteria provided, multiple submitters, no conflicts (2 of 4 stars). 6 submissions from 6 submitters: Benign (1); Likely benign (5). Last evaluated 2026-05-21.

Conditions:
Hereditary cancer-predisposing syndrome. Also called: Hereditary neoplastic syndrome; Neoplastic Syndromes, Hereditary; Hereditary Cancer Syndrome; Tumor predisposition. Identifiers: Orphanet 140162, MedGen C0027672, MeSH D009386, MONDO:0015356.
Neurofibromatosis, type 1 (NF1). Also called: NEUROFIBROMATOSIS, TYPE I, SOMATIC; Neurofibromatosis, type I; VON RECKLINGHAUSEN DISEASE; Peripheral type neurofibromatosis. Identifiers: Orphanet 636, MedGen C0027831, MONDO:0018975, OMIM 162200. Disease mechanism: loss of function.

Allele frequency attached by ClinVar (database versions not stated): gnomAD 0.00001; gnomAD exomes 0.00001 and below 0.00001; TOPMed 0.00001.
gnomAD v4.1: 15 of 1,614,018 alleles (0.00093%); highest among the groups gnomAD compares: Non-Finnish European, 0.0013%; no homozygotes.

Submissions (6):

Myriad Genetics, Inc.
Classification: Benign for Neurofibromatosis, type 1. Last evaluated: 2026-05-21. Review status: criteria provided, single submitter. Criteria: Myriad Autosomal Dominant, Autosomal Recessive and X-Linked Classification Criteria (2023). Collection method: clinical testing. Allele origin: unknown.
Comment: This variant is considered benign. This variant is a silent/synonymous amino acid change and it is not expected to impact splicing.

Labcorp Genetics (formerly Invitae), Labcorp
Classification: Likely benign for Neurofibromatosis, type 1. Last evaluated: 2026-01-27. Review status: criteria provided, single submitter. Criteria: Invitae Variant Classification Sherloc (09022015). Collection method: clinical testing. Allele origin: germline.

Women's Health and Genetics/Laboratory Corporation of America, LabCorp
Classification: Likely benign. Last evaluated: 2023-05-22. Review status: criteria provided, single submitter. Criteria: LabCorp Variant Classification Summary - May 2015. Collection method: clinical testing. Allele origin: germline.

Genome-Nilou Lab
Classification: Likely benign for Neurofibromatosis, type 1. Last evaluated: 2022-03-15. Review status: criteria provided, single submitter. Criteria: ACMG Guidelines, 2015. Collection method: clinical testing. Allele origin: germline. Affected: no.

GeneDx
Classification: Likely benign. Last evaluated: 2020-12-07. Review status: criteria provided, single submitter. Criteria: GeneDx Variant Classification Process June 2021. Collection method: clinical testing. Allele origin: germline. Affected: yes.

Ambry Genetics
Classification: Likely benign for Hereditary cancer-predisposing syndrome. Last evaluated: 2015-06-26. Review status: criteria provided, single submitter. Criteria: Ambry Autosomal Dominant and X-Linked criteria (10/2015). Collection method: clinical testing. Allele origin: germline. Observed: 1 variant allele.

Literature cited by the submitters: PubMed 10678181 (cited by Women's Health and Genetics/Laboratory Corporation of America, LabCorp); PubMed 23460398 (cited by Women's Health and Genetics/Laboratory Corporation of America, LabCorp); PubMed 29872168 (cited by Women's Health and Genetics/Laboratory Corporation of America, LabCorp); PubMed 27069254 (cited by Women's Health and Genetics/Laboratory Corporation of America, LabCorp).

NM_001042492.3(NF1):c.6546C>T (p.Tyr2182=)

Gene: NF1 (neurofibromin 1; plus strand). Cytogenetic location: 17q11.2.
Variant type: single nucleotide variant.
Coding change: c.6546C>T on transcript NM_001042492.3 (MANE Select); coding-DNA position 6546, C replaced by T.
Protein change: p.Tyr2182=; no amino-acid change (tyrosine 2182 retained).
Molecular consequence: synonymous variant.
Genome position (GRCh38, 1-based): chr17:31,337,486, C>T. VCF-style: chr17-31337486-C-T. GRCh37 (hg19) VCF-style: chr17-29664504-C-T.
Other names: c.6483C>T, p.Tyr2161= (NM_000267.4).
Identifiers: ClinVar variation 232443 (VCV000232443.17), dbSNP rs876659768, ClinGen allele CA10580380.